The following is an entry in ClinVar:

ClinVar aggregate classification (germline): Uncertain significance (1 of 4 stars; one submission).

Submission:

Labcorp Genetics (formerly Invitae), Labcorp
Classification: Uncertain significance. Last evaluated: 2025-08-14. Review status: criteria provided, single submitter. Criteria: Invitae Variant Classification Sherloc (09022015). Collection method: clinical testing. Allele origin: germline.
Comment: This sequence change replaces arginine, which is basic and polar, with proline, which is neutral and non-polar, at codon 2217 of the CHD8 protein (p.Arg2217Pro). This variant is not present in population databases (gnomAD no frequency). This variant has not been reported in the literature in individuals affected with CHD8-related conditions. Invitae Evidence Modeling of protein sequence and biophysical properties (such as structural, functional, and spatial information, amino acid conservation, physicochemical variation, residue mobility, and thermodynamic stability) indicates that this missense variant is not expected to disrupt CHD8 protein function with a negative predictive value of 95%. In summary, the available evidence is currently insufficient to determine the role of this variant in disease. Therefore, it has been classified as a Variant of Uncertain Significance.

NM_001170629.2(CHD8):c.6650G>C (p.Arg2217Pro)

Gene: CHD8 (chromodomain helicase DNA binding protein 8; minus strand). Cytogenetic location: 14q11.2.
Variant type: single nucleotide variant.
Coding change: c.6650G>C on transcript NM_001170629.2 (MANE Select); coding-DNA position 6650, G replaced by C.
Protein change: p.Arg2217Pro; replaces arginine 2217 with proline.
Molecular consequence: missense variant.
Genome position (GRCh38, 1-based): chr14:21,392,628, C>G on the plus strand (G>C on the coding strand, the complement: CHD8 is on the minus strand). VCF-style: chr14-21392628-C-G. GRCh37 (hg19) VCF-style: chr14-21860787-C-G.
Other names: c.5813G>C, p.Arg1938Pro (NM_020920.4); short protein forms R1938P, R2217P.
Identifiers: ClinVar variation 4798350 (VCV004798350.1).